The following is an entry in ClinVar:

NM_000094.4(COL7A1):c.8244del (p.Gly2749fs)

Gene: COL7A1 (collagen type VII alpha 1 chain; minus strand). Cytogenetic location: 3p21.31.
Variant type: Deletion.
Coding change: c.8244del on transcript NM_000094.4 (MANE Select); coding-DNA position 8244, one base deleted (C; older notation c.8244delC).
Protein change: p.Gly2749fs; shifts the reading frame from glycine 2749.
Molecular consequence: frameshift variant.
Genome position (GRCh38, 1-based): chr3:48,566,720, G deleted on the plus strand (C on the coding strand, the reverse complement: COL7A1 is on the minus strand); the first of 6 consecutive G bases (chr3:48,566,720-48,566,725); deleting any one gives the same sequence. VCF-style (leftmost placement, unchanged base first): chr3-48566719-CG-C. GRCh37 (hg19) VCF-style: chr3-48604152-CG-C.
Other names: c.8239delC, p.Gly2749Glufs (NM_000094.3); short protein forms G2749fs.
Identifiers: ClinVar variation 1676637 (VCV001676637.3), dbSNP rs2107632018, ClinGen allele CA2570202635.

ClinVar aggregate classification (germline): Pathogenic/Likely pathogenic. Review status: criteria provided, multiple submitters, no conflicts (2 of 4 stars). 3 submissions from 3 submitters: Pathogenic (2); Likely pathogenic (1). Last evaluated 2025-12-23.

Conditions:
Epidermolysis bullosa dystrophica. Also called: Dystrophic epidermolysis bullosa, Hallopeau-Siemens type (formerly); Dystrophic epidermolysis bullosa. Identifiers: Orphanet 303, MedGen C0079294, MONDO:0006543.
Recessive dystrophic epidermolysis bullosa (RDEB). Also called: DYSTROPHIC EPIDERMOLYSIS BULLOSA, AUTOSOMAL RECESSIVE; EPIDERMOLYSIS BULLOSA DYSTROPHICA, HALLOPEAU-SIEMENS TYPE; severe generalized recessive dystrophic epidermolysis bullosa; Epidermolysis Bullosa Distrophica Autosomal Recessive (RDEB); Hallopeau-Siemens Disease; EPIDERMOLYSIS BULLOSA DYSTROPHICA, GENERALIZED SEVERE, AUTOSOMAL RECESSIVE. Identifiers: Orphanet 79408, Orphanet 79409, MedGen C0079474, MONDO:0009179, OMIM 226600.

Submissions (3):

Natera, Inc.
Classification: Likely pathogenic for Dystrophic epidermolysis bullosa. Last evaluated: 2025-12-23. Review status: criteria provided, single submitter. Criteria: Natera Variant Classification Schema (03/2026). Collection method: clinical testing. Allele origin: germline.
Comment: The c.8244del variant in COL7A1 is a frameshift variant predicted to shift the reading frame beginning at codon 2749 and leads to a stop codon 37 codons downstream. This variant is expected to result in nonsense mediated decay, truncation, or a dysfunctional protein product. This variant is rare in the general population with a frequency below the threshold expected for the associated phenotype(s). Given the available evidence, this variant is classified as Likely Pathogenic.

Myriad Genetics, Inc.
Classification: Pathogenic for Recessive dystrophic epidermolysis bullosa. Last evaluated: 2024-11-13. Review status: criteria provided, single submitter. Criteria: Myriad Autosomal Dominant, Autosomal Recessive and X-Linked Classification Criteria (2023). Collection method: clinical testing. Allele origin: unknown.
Comment: NM_000094.3(COL7A1):c.8244delC(G2749Efs*37) is expected to be pathogenic in the context of dystrophic epidermolysis bullosa. This variant is predicted to lead to an abnormal or absent protein product due to the creation of a premature termination codon in COL7A1, a gene where loss-of-function variants are known to be pathogenic. Please note: this variant was assessed in the context of healthy population screening.

Center for Research in Genodermatoses and Epidermolysis Bullosa, University of Buenos Aires
Classification: Pathogenic for Recessive dystrophic epidermolysis bullosa. Last evaluated: 2022-03-14. Review status: criteria provided, single submitter. Criteria: ACMG Guidelines, 2015. Collection method: clinical testing. Allele origin: germline. Affected: yes. Observed: 1 variant allele, 1 compound heterozygote.

Literature cited by the submitters: PubMed 35979658 (cited by Center for Research in Genodermatoses and Epidermolysis Bullosa, University of Buenos Aires); PubMed 22058051 (cited by Center for Research in Genodermatoses and Epidermolysis Bullosa, University of Buenos Aires).